The following is an entry in ClinVar:

ClinVar aggregate classification (germline): Likely pathogenic. Review status: criteria provided, multiple submitters, no conflicts (2 of 4 stars). 3 submissions from 3 submitters: Likely pathogenic (3). Last evaluated 2024-09-25.

Conditions:
Mitochondrial complex I deficiency, nuclear type 21. Also called: Mitochondrial complex 1 deficiency, nuclear type 21. Identifiers: MedGen C4748792, MONDO:0032625, OMIM 618242.
NUBPL-related disorder. Also called: NUBPL-related condition.

Allele frequency attached by ClinVar (database versions not stated): gnomAD exomes below 0.00001.
gnomAD v4.1: 1 of 1,610,324 alleles (0.000062%); highest among the groups gnomAD compares: Middle Eastern, 0.017%; no homozygotes.

Submissions (3):

Blueprint Genetics
Classification: Likely pathogenic for NUBPL-related disorders. Last evaluated: 2024-09-25. Review status: criteria provided, single submitter. Criteria: ACMG Guidelines, 2015. Collection method: clinical testing. Allele origin: germline. Affected: yes. Observed: 5 variant alleles.

Genomic Medicine Center of Excellence, King Faisal Specialist Hospital and Research Centre
Classification: Likely pathogenic for Mitochondrial complex I deficiency, nuclear type 21. Last evaluated: 2024-03-29. Review status: criteria provided, single submitter. Criteria: ACMG Guidelines, 2015. Collection method: clinical testing. Allele origin: germline.

GeneDx
Classification: Likely pathogenic. Last evaluated: 2016-05-06. Review status: criteria provided, single submitter. Criteria: GeneDx Variant Classification (06012015). Collection method: clinical testing. Allele origin: germline. Affected: yes.
Comment: The Q176X variant not been published as a pathogenic variant, nor has it been reported as a benign variant to our knowledge. The Q176X variant was not observed in approximately 6500 individuals of European and African American ancestry in the NHLBI Exome Sequencing Project, indicating it is not a common benign variant in these populations. The Q176X variant is predicted to cause loss of normal protein function either through protein truncation or nonsense-mediated mRNA decay. In summary, we interpret this variant to be likely pathogenic.

NM_025152.3(NUBPL):c.526C>T (p.Gln176Ter)

Gene: NUBPL (NUBP iron-sulfur cluster assembly factor, mitochondrial; plus strand). Cytogenetic location: 14q12.
Variant type: single nucleotide variant.
Coding change: c.526C>T on transcript NM_025152.3 (MANE Select); coding-DNA position 526, C replaced by T.
Protein change: p.Gln176Ter; replaces glutamine 176 with a stop codon.
Molecular consequence: nonsense. On other transcripts: 5 prime UTR variant (1).
Genome position (GRCh38, 1-based): chr14:31,787,792, C>T. VCF-style: chr14-31787792-C-T. GRCh37 (hg19) VCF-style: chr14-32256998-C-T.
Other names: c.238C>T, p.Gln80Ter (NM_001201573.2); c.-24C>T (NM_001201574.2); short protein forms Q176*, Q80*.
Identifiers: ClinVar variation 432144 (VCV000432144.4), dbSNP rs1555338209, ClinGen allele CA389480066.